The following is an entry in ClinVar:

ClinVar aggregate classification (germline): Uncertain significance (1 of 4 stars; one submission).

Submission:

Labcorp Genetics (formerly Invitae), Labcorp
Classification: Uncertain significance. Last evaluated: 2024-10-06. Review status: criteria provided, single submitter. Criteria: Invitae Variant Classification Sherloc (09022015). Collection method: clinical testing. Allele origin: germline.
Comment: This variant, c.4627_4644del, results in the deletion of 6 amino acid(s) of the TET2 protein (p.Arg1543_Gln1548del), but otherwise preserves the integrity of the reading frame. This variant is present in population databases (rs771696884, gnomAD 0.04%). This variant has not been reported in the literature in individuals affected with TET2-related conditions. Experimental studies and prediction algorithms are not available or were not evaluated, and the functional significance of this variant is currently unknown. In summary, the available evidence is currently insufficient to determine the role of this variant in disease. Therefore, it has been classified as a Variant of Uncertain Significance.

NM_001127208.3(TET2):c.4627_4644del (p.Arg1543_Gln1548del)

Genes: TET2 (tet methylcytosine dioxygenase 2; plus strand), TET2-AS1 (TET2 antisense RNA 1; minus strand). Cytogenetic location: 4q24.
Variant type: Deletion.
Coding change: c.4627_4644del on transcript NM_001127208.3 (MANE Select); coding-DNA positions 4627 to 4644, 18 bases deleted (AGACCCCAGCAGCAGCAG).
Protein change: p.Arg1543_Gln1548del.
Molecular consequence: inframe deletion.
Genome position (GRCh38, 1-based): chr4:105,275,137-105,275,154, AGACCCCAGCAGCAGCAG deleted; deleting any 18 consecutive bases within chr4:105,275,122-105,275,154 gives the same sequence; the c. name uses the placement nearest the transcript's 3' end. VCF-style (leftmost placement, unchanged base first): chr4-105275121-GCCCCAGCAGCAGCAGAGA-G. GRCh37 (hg19) VCF-style: chr4-106196278-GCCCCAGCAGCAGCAGAGA-G.
Identifiers: ClinVar variation 3613854 (VCV003613854.2).